The following is an entry in ClinVar:

ClinVar aggregate classification (germline): Benign/Likely benign (0 of 4 stars; one submission).

Submission:

ISCA Site 6
Classification: Benign/Likely benign. Review status: no assertion criteria provided. Collection method: clinical testing. Allele origin: unknown. Affected: yes. Observed: 9 variant alleles. Clinical features observed: Developmental delay AND/OR other significant developmental or morphological phenotypes.
Comment: Likely benign (2), Benign (7)

Copy number variation identified through the course of routine clinical cytogenomic testing in postnatal populations, with clinical assertions as classified by the original submitter. For data from the original published study, Kaminsky, et al. 2011 (PubMed 21844811), please see nstd101.

GRCh37/hg19 22q11.21(chr22:21055472-21065882)x3

Gene: PI4KA (phosphatidylinositol 4-kinase alpha; minus strand). Cytogenetic location: 22q11.21.
Variant type: copy number gain.
Change: copy number 3 (three copies instead of two) of chr22:21,055,472-21,065,882 (10.4 kb, GRCh37 coordinates, 1-based), cytogenetic band 22q11.21.
Identifiers: ClinVar variation 394570 (VCV000394570.3).